The following is an entry in ClinVar:

ClinVar aggregate classification (germline): Pathogenic/Likely pathogenic. Review status: criteria provided, multiple submitters, no conflicts (2 of 4 stars). 3 submissions from 3 submitters: Pathogenic (2); Likely pathogenic (1). Last evaluated 2023-12-14.

Conditions:
RPGR-related disorder. Also called: RPGR-related condition.
Retinitis pigmentosa 3. Also called: CHOROIDORETINAL DEGENERATION WITH RETINAL REFLEX IN HETEROZYGOUS WOMEN. Identifiers: Orphanet 791, MedGen C1845667, MONDO:0010227, OMIM 300029.
X-linked cone-rod dystrophy 1 (CORDX1). Identifiers: Orphanet 1872, MedGen C1844776, MONDO:0010566, OMIM 304020.

Submissions (3):

North West Genomic Laboratory Hub, Manchester University NHS Foundation Trust
Classification: Pathogenic for Retinitis pigmentosa 3. Last evaluated: 2023-12-14. Review status: criteria provided, single submitter. Criteria: ACGS Best Practice Guidelines for Variant Classification in Rare Disease 2020. Collection method: clinical testing. Allele origin: germline. Affected: yes.
Comment: PM2_Mod PVS1_VStr

Baylor Genetics
Classification: Pathogenic for X-linked cone-rod dystrophy 1. Last evaluated: 2022-10-14. Review status: criteria provided, single submitter. Criteria: ACMG Guidelines, 2015. Collection method: clinical testing. Allele origin: unknown.

Blueprint Genetics
Classification: Likely pathogenic for RPGR-related disorders. Last evaluated: 2021-12-21. Review status: criteria provided, single submitter. Criteria: ACMG Guidelines, 2015. Collection method: clinical testing. Allele origin: germline. Affected: yes. Observed: 1 variant allele.

Literature cited by the submitters: PubMed 26093275 (cited by North West Genomic Laboratory Hub, Manchester University NHS Foundation Trust).

NM_001034853.2(RPGR):c.2624_2643del (p.Glu875fs)

Gene: RPGR (retinitis pigmentosa GTPase regulator; minus strand). Cytogenetic location: Xp11.4.
Variant type: Deletion.
Coding change: c.2624_2643del on transcript NM_001034853.2 (MANE Select); coding-DNA positions 2624 to 2643, 20 bases deleted (AAGGGGAGGGGGAAGAGGAG).
Protein change: p.Glu875fs; shifts the reading frame from glutamic acid 875.
Molecular consequence: frameshift variant. On other transcripts: intron variant (8).
Genome position (GRCh38, 1-based): chrX:38,286,356-38,286,375, CTCCTCTTCCCCCTCCCCTT deleted on the plus strand (AAGGGGAGGGGGAAGAGGAG on the coding strand, the reverse complement: RPGR is on the minus strand); deleting any 20 consecutive bases within chrX:38,286,356-38,286,380 gives the same sequence; the c. name uses the placement nearest the transcript's 3' end. VCF-style (leftmost placement, unchanged base first): chrX-38286355-CCTCCTCTTCCCCCTCCCCTT-C. GRCh37 (hg19) VCF-style: chrX-38145608-CCTCCTCTTCCCCCTCCCCTT-C.
Other names: c.1569+4584_1569+4603del (NM_001367249.1, NM_001367250.1); c.1902+719_1902+738del (NM_001367245.1); c.1386+4584_1386+4603del (NM_001367251.1); c.1719+719_1719+738del (NM_001367246.1); c.1572+4584_1572+4603del (NM_001367247.1); c.1905+719_1905+738del (NM_000328.3); c.1602+4584_1602+4603del (NM_001367248.1); short protein forms E875fs.
Identifiers: ClinVar variation 2678452 (VCV002678452.3), dbSNP rs2519788652, ClinGen allele CA2695200183.